The following is an entry in ClinVar:

ClinVar aggregate classification (germline): Likely benign. Review status: criteria provided, multiple submitters, no conflicts (2 of 4 stars). 3 submissions from 3 submitters: Likely benign (3). Last evaluated 2024-08-01.

Conditions:
Neuropathy, hereditary sensory and autonomic, type 1C. Also called: HSAN IC; HSN IC. Identifiers: Orphanet 36386, MedGen C3150896, MONDO:0013337, OMIM 613640.

Submissions (3):

CeGaT Center for Human Genetics Tuebingen
Classification: Likely benign. Last evaluated: 2024-08-01. Review status: criteria provided, single submitter. Criteria: CeGaT Center For Human Genetics Tuebingen Variant Classification Criteria Version 2. Collection method: clinical testing. Allele origin: germline. Affected: yes. Observed: 1 variant allele.
Comment: SPTLC2: PM2:Supporting, BP4, BP7

Blueprint Genetics
Classification: Likely benign. Last evaluated: 2022-09-23. Review status: criteria provided, single submitter. Criteria: ACMG Guidelines, 2015. Collection method: clinical testing. Allele origin: germline.

Labcorp Genetics (formerly Invitae), Labcorp
Classification: Likely benign for Neuropathy, hereditary sensory and autonomic, type 1C. Last evaluated: 2018-09-28. Review status: criteria provided, single submitter. Criteria: Invitae Variant Classification Sherloc (09022015). Collection method: clinical testing. Allele origin: germline.

NM_004863.4(SPTLC2):c.1143T>C (p.Phe381=)

Gene: SPTLC2 (serine palmitoyltransferase long chain base subunit 2; minus strand). Cytogenetic location: 14q24.3.
Variant type: single nucleotide variant.
Coding change: c.1143T>C on transcript NM_004863.4 (MANE Select); coding-DNA position 1143, T replaced by C.
Protein change: p.Phe381=; no amino-acid change (phenylalanine 381 retained).
Molecular consequence: synonymous variant.
Genome position (GRCh38, 1-based): chr14:77,555,333, A>G on the plus strand (T>C on the coding strand, the complement: SPTLC2 is on the minus strand). VCF-style: chr14-77555333-A-G. GRCh37 (hg19) VCF-style: chr14-78021676-A-G.
Identifiers: ClinVar variation 1138958 (VCV001138958.26), dbSNP rs2140020443, ClinGen allele CA487327288.